The following is an entry in ClinVar:

NM_003803.4(MYOM1):c.4519A>G (p.Thr1507Ala)

Gene: MYOM1 (myomesin 1; minus strand). Cytogenetic location: 18p11.31.
Variant type: single nucleotide variant.
Coding change: c.4519A>G on transcript NM_003803.4 (MANE Select); coding-DNA position 4519, A replaced by G.
Protein change: p.Thr1507Ala; replaces threonine 1507 with alanine.
Molecular consequence: missense variant.
Genome position (GRCh38, 1-based): chr18:3,079,308, T>C on the plus strand (A>G on the coding strand, the complement: MYOM1 is on the minus strand). VCF-style: chr18-3079308-T-C. GRCh37 (hg19) VCF-style: chr18-3079306-T-C.
Other names: c.4231A>G, p.Thr1411Ala (NM_019856.2); short protein forms T1411A, T1507A.
Identifiers: ClinVar variation 3609101 (VCV003609101.3).

ClinVar aggregate classification (germline): Uncertain significance. Review status: criteria provided, multiple submitters, no conflicts (2 of 4 stars). 2 submissions from 2 submitters: Uncertain significance (2). Last evaluated 2025-08-13.

Conditions:
Hypertrophic cardiomyopathy. Also called: HYPERTROPHIC MYOCARDIOPATHY. Identifiers: Orphanet 217569, MedGen C0007194, MeSH D002312, MONDO:0005045, HP:0001639.

Submissions (2):

Ambry Genetics
Classification: Uncertain significance. Last evaluated: 2025-08-13. Review status: criteria provided, single submitter. Criteria: Ambry Variant Classification Scheme 2023. Collection method: clinical testing. Allele origin: germline.

Labcorp Genetics (formerly Invitae), Labcorp
Classification: Uncertain significance for Hypertrophic cardiomyopathy. Last evaluated: 2024-11-16. Review status: criteria provided, single submitter. Criteria: Invitae Variant Classification Sherloc (09022015). Collection method: clinical testing. Allele origin: germline.
Comment: This sequence change replaces threonine, which is neutral and polar, with alanine, which is neutral and non-polar, at codon 1507 of the MYOM1 protein (p.Thr1507Ala). This variant is not present in population databases (gnomAD no frequency). This variant has not been reported in the literature in individuals affected with MYOM1-related conditions. Invitae Evidence Modeling of protein sequence and biophysical properties (such as structural, functional, and spatial information, amino acid conservation, physicochemical variation, residue mobility, and thermodynamic stability) indicates that this missense variant is not expected to disrupt MYOM1 protein function with a negative predictive value of 80%. In summary, the available evidence is currently insufficient to determine the role of this variant in disease. Therefore, it has been classified as a Variant of Uncertain Significance.